The following is an entry in ClinVar:

NM_001347674.1(KRTAP5-4):c.95G>T (p.Gly32Val)

Gene: KRTAP5-4 (keratin associated protein 5-4; minus strand). Cytogenetic location: 11p15.5.
Variant type: single nucleotide variant.
Coding change: c.95G>T on transcript NM_001347674.1 (MANE Select); coding-DNA position 95, G replaced by T.
Protein change: p.Gly32Val; replaces glycine 32 with valine.
Molecular consequence: missense variant.
Genome position (GRCh38, 1-based): chr11:1,621,999, C>A on the plus strand (G>T on the coding strand, the complement: KRTAP5-4 is on the minus strand). VCF-style: chr11-1621999-C-A. GRCh37 (hg19) VCF-style: chr11-1643229-C-A.
Other names: c.95G>T (NM_001012709.1); short protein forms G32V.
Identifiers: ClinVar variation 4095733 (VCV004095733.1).

ClinVar aggregate classification (germline): Uncertain significance (1 of 4 stars; one submission).

gnomAD v4.1: 4 of 1,336,092 alleles (0.0003%); highest among the groups gnomAD compares: Non-Finnish European, 0.00041%; no homozygotes.

Submission:

Ambry Genetics
Classification: Uncertain significance. Last evaluated: 2025-08-04. Review status: criteria provided, single submitter. Criteria: Ambry Variant Classification Scheme 2023. Collection method: clinical testing. Allele origin: germline.
Comment: The c.95G>T (p.G32V) alteration is located in exon (coding exon ) of the KRTAP5-4 gene. This alteration results from a G to T substitution at nucleotide position 95, causing the glycine (G) at amino acid position 32 to be replaced by a valine (V). Based on insufficient or conflicting evidence, the clinical significance of this alteration remains unclear.